The following is an entry in ClinVar:

ClinVar aggregate classification (germline): Uncertain significance (1 of 4 stars; one submission).

Allele frequency attached by ClinVar (database versions not stated): TOPMed below 0.00001.

Submission:

Ambry Genetics
Classification: Uncertain significance. Last evaluated: 2024-05-09. Review status: criteria provided, single submitter. Criteria: Ambry Variant Classification Scheme 2023. Collection method: clinical testing. Allele origin: germline.
Comment: The p.G1473A variant (also known as c.4418G>C), located in coding exon 40 of the KIF1B gene, results from a G to C substitution at nucleotide position 4418. The glycine at codon 1473 is replaced by alanine, an amino acid with similar properties. This amino acid position is conserved. In addition, the in silico prediction for this alteration is inconclusive. Since supporting evidence is limited at this time, the clinical significance of this alteration remains unclear.

NM_001365951.3(KIF1B):c.4556G>C (p.Gly1519Ala)

Gene: KIF1B (kinesin family member 1B; plus strand). Cytogenetic location: 1p36.22.
Variant type: single nucleotide variant.
Coding change: c.4556G>C on transcript NM_001365951.3 (MANE Select); coding-DNA position 4556, G replaced by C.
Protein change: p.Gly1519Ala; replaces glycine 1519 with alanine.
Molecular consequence: missense variant.
Genome position (GRCh38, 1-based): chr1:10,365,452, G>C. VCF-style: chr1-10365452-G-C. GRCh37 (hg19) VCF-style: chr1-10425510-G-C.
Other names: c.4556G>C, p.Gly1519Ala (NM_001365952.1); c.4418G>C, p.Gly1473Ala (NM_015074.3); short protein forms G1519A, G1473A.
Identifiers: ClinVar variation 1740446 (VCV001740446.3), dbSNP rs1638543266, ClinGen allele CA338321804.